The following is an entry in ClinVar:

ClinVar aggregate classification (germline): Uncertain significance (1 of 4 stars; one submission).

Conditions:
Glycogen storage disease type III (GSD3). Also called: Cori disease; FORBES DISEASE. Identifiers: Orphanet 366, MedGen C0017922, MONDO:0009291, OMIM 232400.

Submission:

Labcorp Genetics (formerly Invitae), Labcorp
Classification: Uncertain significance for Glycogen storage disease type III. Last evaluated: 2021-08-27. Review status: criteria provided, single submitter. Criteria: Invitae Variant Classification Sherloc (09022015). Collection method: clinical testing. Allele origin: germline.
Comment: This variant, c.2181_2183del, results in the deletion of 1 amino acid(s) of the AGL protein (p.Glu727del), but otherwise preserves the integrity of the reading frame. This variant is not present in population databases (ExAC no frequency). This variant has not been reported in the literature in individuals affected with AGL-related conditions. Experimental studies and prediction algorithms are not available or were not evaluated, and the functional significance of this variant is currently unknown. In summary, the available evidence is currently insufficient to determine the role of this variant in disease. Therefore, it has been classified as a Variant of Uncertain Significance.

NM_000642.3(AGL):c.2181_2183del (p.Glu727del)

Gene: AGL (amylo-alpha-1,6-glucosidase and 4-alpha-glucanotransferase; plus strand). Cytogenetic location: 1p21.2.
Variant type: Deletion.
Coding change: c.2181_2183del on transcript NM_000642.3 (MANE Select); coding-DNA positions 2181 to 2183, 3 bases deleted (AGA; older notation c.2181_2183delAGA).
Protein change: p.Glu727del; deletes glutamic acid 727.
Molecular consequence: inframe deletion. On other transcripts: inframe indel (10).
Genome position (GRCh38, 1-based): chr1:99,881,564-99,881,566, AGA deleted; deleting any 3 consecutive bases within chr1:99,881,562-99,881,566 gives the same sequence; the c. name uses the placement nearest the transcript's 3' end. VCF-style (leftmost placement, unchanged base first): chr1-99881561-TGAA-T. GRCh37 (hg19) VCF-style: chr1-100347117-TGAA-T.
Other names: c.1977_1979delAGA, p.Glu659del (NM_001425328.1, NM_001425329.1); c.1803_1805delAGA, p.Glu601del (NM_001425332.1); c.2181_2183delAGA, p.Glu727del (NM_000644.3, NM_001425325.1, NM_001425326.1 and 2 more transcripts); c.2133_2135delAGA, p.Glu711del (NM_000646.3); c.1980_1982delAGA, p.Glu660del (NM_001425327.1); short protein forms E711del, E727del, E601del, E659del, E660del.
Identifiers: ClinVar variation 946337 (VCV000946337.7), dbSNP rs1652029472, ClinGen allele CA1139656251.